The following is an entry in ClinVar:

ClinVar aggregate classification (germline): Conflicting classifications of pathogenicity. Review status: criteria provided, conflicting classifications (1 of 4 stars). 5 submissions from 5 submitters: Uncertain significance (2); Likely benign (1). 2 of the submissions do not count toward it. Last evaluated 2025-11-26.

Conditions:
Inborn genetic diseases. Identifiers: MedGen C0950123, MeSH D030342.
FBN2-related disorder. Also called: FBN2-related condition.
Congenital contractural arachnodactyly (CCA). Also called: BEALS SYNDROME; Beals-Hecht syndrome; Arthrogryposis, distal, type 9. Identifiers: Orphanet 115, MedGen C0220668, MONDO:0007363, OMIM 121050.

Allele frequency attached by ClinVar (database versions not stated): ExAC 0.00001; gnomAD exomes 0.00001; TOPMed 0.00004.
gnomAD v4.1: 13 of 1,613,940 alleles (0.00081%); highest among the groups gnomAD compares: East Asian, 0.0067%; no homozygotes.

Submissions (5):

Labcorp Genetics (formerly Invitae), Labcorp
Classification: Likely benign for Congenital contractural arachnodactyly. Last evaluated: 2025-11-26. Review status: criteria provided, single submitter. Criteria: Invitae Variant Classification Sherloc (09022015). Collection method: clinical testing. Allele origin: germline.

GeneDx
Classification: Uncertain significance. Last evaluated: 2020-10-05. Review status: criteria provided, single submitter. Criteria: GeneDx Variant Classification Process June 2021. Collection method: clinical testing. Allele origin: germline. Affected: yes.
Comment: Has not been previously published as pathogenic or benign to our knowledge; Not observed at a significant frequency in large population cohorts (Lek et al., 2016); In silico analysis supports that this missense variant has a deleterious effect on protein structure/function; Although located in a calcium-binding EGF-like domain of the FBN2 gene, it does not affect a cysteine residue within this domain; cysteine substitutions in the calcium-binding EGF-like domains represent the majority of pathogenic missense changes associated with FBN2-related disorders (Collod-Beroud et al., 2003; Frederic et al., 2009); Reported in ClinVar as a variant of uncertain significance (ClinVar Variant ID# 521618; Landrum et al., 2016)

Ambry Genetics
Classification: Uncertain significance for Inborn genetic diseases. Last evaluated: 2017-04-10. Review status: criteria provided, single submitter. Criteria: Ambry exome assertion method (8-5-2015). Collection method: clinical testing. Allele origin: germline. Affected: yes. Observed: 1 variant allele.

PreventionGenetics, part of Exact Sciences
Classification: Uncertain significance for FBN2-related condition. Last evaluated: 2024-03-11. Review status: no assertion criteria provided. Collection method: clinical testing. Allele origin: germline. Not counted in ClinVar's aggregate classification.
Comment: The FBN2 c.5063G>A variant is predicted to result in the amino acid substitution p.Arg1688His. To our knowledge, this variant has not been reported in the literature. This variant is reported in 0.0062% of alleles in individuals of African descent in gnomAD. At this time, the clinical significance of this variant is uncertain due to the absence of conclusive functional and genetic evidence.

Bioscientia Institut fuer Medizinische Diagnostik GmbH, Sonic Healthcare
Classification: Uncertain significance for Congenital contractural arachnodactyly. Last evaluated: 2019-06-25. Review status: no assertion criteria provided. Collection method: clinical testing. Allele origin: germline. Affected: yes. Not counted in ClinVar's aggregate classification.

NM_001999.4(FBN2):c.5063G>A (p.Arg1688His)

Gene: FBN2 (fibrillin 2; minus strand). Cytogenetic location: 5q23.3.
Variant type: single nucleotide variant.
Coding change: c.5063G>A on transcript NM_001999.4 (MANE Select); coding-DNA position 5063, G replaced by A.
Protein change: p.Arg1688His; replaces arginine 1688 with histidine.
Molecular consequence: missense variant.
Genome position (GRCh38, 1-based): chr5:128,311,311, C>T on the plus strand (G>A on the coding strand, the complement: FBN2 is on the minus strand). VCF-style: chr5-128311311-C-T. GRCh37 (hg19) VCF-style: chr5-127647003-C-T.
Other names: short protein forms R1688H.
Identifiers: ClinVar variation 521618 (VCV000521618.11), dbSNP rs770803581, ClinGen allele CA3394805.